The following is an entry in ClinVar:

NM_022124.6(CDH23):c.1752+6G>A

Gene: CDH23 (cadherin related 23; plus strand). Cytogenetic location: 10q22.1.
Variant type: single nucleotide variant.
Coding change: c.1752+6G>A on transcript NM_022124.6 (MANE Select); 6 bases into the intron after coding-DNA position 1752, G replaced by A.
Molecular consequence: intron variant.
Genome position (GRCh38, 1-based): chr10:71,677,699, G>A. VCF-style: chr10-71677699-G-A. GRCh37 (hg19) VCF-style: chr10-73437456-G-A.
Other names: c.1752+6G>A (NM_001171930.2, NM_001171931.2).
Identifiers: ClinVar variation 228486 (VCV000228486.15), dbSNP rs369013539, ClinGen allele CA5543941.
Genomic context (GRCh38, chr10:71,677,699, plus strand): 5'-CGTGGGTGCTCTGCGGGAGAACGAGCCTTCTGTCACACAGCTGGTGCGGCTCCGGGTAAG[G>A]TGCCAGGGAGCCCTGCACTCCTGCCATTTATCTTAGCCTTCTCCCTGTACTTGCTTGCTT-3'

ClinVar aggregate classification (germline): Conflicting classifications of pathogenicity. Review status: criteria provided, conflicting classifications (1 of 4 stars). 5 submissions from 5 submitters: Uncertain significance (3); Likely benign (2). Last evaluated 2023-12-08.

Allele frequency attached by ClinVar (database versions not stated): gnomAD 0.00052 and 0.00055; 1000 Genomes Project 0.00060; TOPMed 0.00071; 1000 Genomes Project 30x 0.00094; gnomAD exomes 0.00006 and 0.00014; ExAC 0.00022; ESP Exome Variant Server 0.00033.
gnomAD v4.1: 167 of 1,550,776 alleles (0.011%); highest among the groups gnomAD compares: African/African-American, 0.2%; no homozygotes.

Submissions (5):

Blueprint Genetics
Classification: Likely benign. Last evaluated: 2023-12-08. Review status: criteria provided, single submitter. Criteria: ACMG Guidelines, 2015. Collection method: clinical testing. Allele origin: germline.

Labcorp Genetics (formerly Invitae), Labcorp
Classification: Uncertain significance. Last evaluated: 2022-10-23. Review status: criteria provided, single submitter. Criteria: Invitae Variant Classification Sherloc (09022015). Collection method: clinical testing. Allele origin: germline.
Comment: This sequence change falls in intron 16 of the CDH23 gene. It does not directly change the encoded amino acid sequence of the CDH23 protein. It affects a nucleotide within the consensus splice site. This variant is present in population databases (rs369013539, gnomAD 0.2%). This variant has been observed in individual(s) with CDH23-related conditions (PMID: 22135276). ClinVar contains an entry for this variant (Variation ID: 228486). Variants that disrupt the consensus splice site are a relatively common cause of aberrant splicing (PMID: 17576681, 9536098). Algorithms developed to predict the effect of sequence changes on RNA splicing suggest that this variant is not likely to affect RNA splicing. In summary, the available evidence is currently insufficient to determine the role of this variant in disease. Therefore, it has been classified as a Variant of Uncertain Significance.

GeneDx
Classification: Likely benign. Last evaluated: 2020-03-20. Review status: criteria provided, single submitter. Criteria: GeneDx Variant Classification Process June 2021. Collection method: clinical testing. Allele origin: germline. Affected: yes.

Eurofins Ntd Llc (ga)
Classification: Uncertain significance. Last evaluated: 2017-11-28. Review status: criteria provided, single submitter. Criteria: EGL Classification Definitions 2015. Collection method: clinical testing. Allele origin: germline. Observed: 1 variant allele, 1 heterozygote.

Laboratory for Molecular Medicine, Mass General Brigham Personalized Medicine
Classification: Uncertain significance. Last evaluated: 2015-06-19. Review status: criteria provided, single submitter. Criteria: LMM Criteria. Collection method: clinical testing. Allele origin: germline. Observed: 1 variant allele.
Comment: Variant classified as Uncertain Significance - Favor Benign. The c.1752+6G>A var iant in CDH23 has been previously reported in 1 individual with Usher syndrome; however, it was classified as likely benign by the authors of the study based on either the presence of two other pathogenic/likely pathogenic variants in the i ndividual or nonsegregation of the variant with disease (Le Quesne 2012). It has also been identified in 0.2% (5/2316) of African chromosomes by the Exome Aggre gation Consortium (ExAC; dbSNP rs369013539); how ever this frequency is not high enough to rule out a pathogenic role. This varia nt is located in the 5' splice region. Computational tools do not suggest an imp act to the nascent 5' splice site, though this information is not predictive eno ugh to rule out pathogenicity. In summary, while the clinical significance of th e c.1752+6G>A variant is uncertain, these data suggest it is more likely to be b enign.

Literature cited by the submitters: PubMed 22135276 (cited by Labcorp Genetics (formerly Invitae), Labcorp and Laboratory for Molecular Medicine, Mass General Brigham Personalized Medicine); PubMed 17576681 (cited by Labcorp Genetics (formerly Invitae), Labcorp); PubMed 9536098 (cited by Labcorp Genetics (formerly Invitae), Labcorp).